The following is an entry in ClinVar:

ClinVar aggregate classification (germline): Pathogenic. Review status: criteria provided, single submitter (1 of 4 stars). 2 submissions from 2 submitters: Pathogenic (1). 1 of the submissions does not count toward it. Last evaluated 2017-12-17.

Conditions:
Charcot-Marie-Tooth disease, type I (CMT1). Also called: Charcot-Marie-Tooth disease type 1; Charcot-Marie-Tooth, Type 1. Identifiers: Orphanet 65753, MedGen C0751036, MONDO:0019011.
Charcot-Marie-Tooth disease. Also called: Charcot-Marie-Tooth Neuropathy; Charcot-Marie-Tooth Hereditary Neuropathy. Identifiers: Orphanet 166, MedGen C0007959, MONDO:0015626.

Submissions (2):

Labcorp Genetics (formerly Invitae), Labcorp
Classification: Pathogenic for Charcot-Marie-Tooth disease, type I. Last evaluated: 2017-12-17. Review status: criteria provided, single submitter. Criteria: Invitae Variant Classification Sherloc (09022015). Collection method: clinical testing. Allele origin: germline.
Comment: This variant has been reported in a family affected with Charcot-Marie-Tooth disease (CMT) (PMID: 19259128). Loss-of-function variants in MPZ are known to be pathogenic (PMID: 14711881). For these reasons, this variant has been classified as Pathogenic. This variant is not present in population databases (ExAC no frequency). This sequence change creates a premature translational stop signal (p.Gln100*) in the MPZ gene. It is expected to result in an absent or disrupted protein product.

Inherited Neuropathy Consortium
Classification: Uncertain significance for Charcot-Marie-Tooth disease. Review status: no assertion criteria provided. Collection method: literature only. Allele origin: germline. Affected: yes. Not counted in ClinVar's aggregate classification.

Literature cited by the submitters: PubMed 19259128 (cited by Labcorp Genetics (formerly Invitae), Labcorp and Inherited Neuropathy Consortium); PubMed 14711881 (cited by Labcorp Genetics (formerly Invitae), Labcorp).

NM_000530.8(MPZ):c.298C>T (p.Gln100Ter)

Gene: MPZ (myelin protein zero; minus strand). Cytogenetic location: 1q23.3.
Variant type: single nucleotide variant.
Coding change: c.298C>T on transcript NM_000530.8 (MANE Select); coding-DNA position 298, C replaced by T.
Protein change: p.Gln100Ter; replaces glutamine 100 with a stop codon.
Molecular consequence: nonsense.
Genome position (GRCh38, 1-based): chr1:161,306,858, G>A on the plus strand (C>T on the coding strand, the complement: MPZ is on the minus strand). VCF-style: chr1-161306858-G-A. GRCh37 (hg19) VCF-style: chr1-161276648-G-A.
Other names: c.298C>T (LRG_256t1); c.298C>T, p.Gln100Ter (NM_001315491.2); short protein forms Q100*.
Identifiers: ClinVar variation 531678 (VCV000531678.9), dbSNP rs1553259683, ClinGen allele CA343349564.